The following is an entry in ClinVar:

NM_152564.5(VPS13B):c.2771T>G (p.Leu924Trp)

Gene: VPS13B (vacuolar protein sorting 13 homolog B; plus strand). Cytogenetic location: 8q22.2.
Variant type: single nucleotide variant.
Coding change: c.2771T>G on transcript NM_152564.5 (MANE Select); coding-DNA position 2771, T replaced by G.
Protein change: p.Leu924Trp; replaces leucine 924 with tryptophan.
Molecular consequence: missense variant.
Genome position (GRCh38, 1-based): chr8:99,275,201, T>G. VCF-style: chr8-99275201-T-G. GRCh37 (hg19) VCF-style: chr8-100287429-T-G.
Other names: c.2771T>G, p.Leu924Trp (NM_017890.5); short protein forms L924W.
Identifiers: ClinVar variation 5001409 (VCV005001409.1).

ClinVar aggregate classification (germline): Uncertain significance (1 of 4 stars; one submission).

Conditions:
VPS13B-related disorder. Also called: VPS13B-related condition.

gnomAD v4.1: 1 of 1,613,012 alleles (0.000062%); highest among the groups gnomAD compares: African/African-American, 0.0013%; no homozygotes.

Submission:

PreventionGenetics, part of Exact Sciences
Classification: Uncertain significance for VPS13B-related condition. Last evaluated: 2025-05-22. Review status: criteria provided, single submitter. Criteria: ACMG Guidelines, 2015. Collection method: clinical testing. Allele origin: germline.
Comment: The VPS13B c.2771T>G variant is predicted to result in the amino acid substitution p.Leu924Trp. To our knowledge, this variant has not been reported in the literature. This variant is reported in 0.0062% of alleles in individuals of African descent in gnomAD. At this time, the clinical significance of this variant is uncertain due to the absence of conclusive functional and genetic evidence.